The following is an entry in ClinVar:

NM_000051.4(ATM):c.8605G>A (p.Gly2869Ser)

Genes: ATM (ATM serine/threonine kinase; plus strand), C11orf65 (chromosome 11 open reading frame 65; minus strand). Cytogenetic location: 11q22.3.
Variant type: single nucleotide variant.
Coding change: c.8605G>A on transcript NM_000051.4 (MANE Select); coding-DNA position 8605, G replaced by A.
Protein change: p.Gly2869Ser; replaces glycine 2869 with serine.
Molecular consequence: missense variant. On other transcripts: intron variant (2).
Genome position (GRCh38, 1-based): chr11:108,347,299, G>A. VCF-style: chr11-108347299-G-A. GRCh37 (hg19) VCF-style: chr11-108218026-G-A.
Other names: c.8605G>A, p.Gly2869Ser (NM_001351834.2); c.641-38228C>T (NM_001330368.2); c.695-12007C>T (NM_001351110.2); short protein forms G2869S.
Identifiers: ClinVar variation 664147 (VCV000664147.7), dbSNP rs748855312, ClinGen allele CA6266400.

ClinVar aggregate classification (germline): Uncertain significance (1 of 4 stars; one submission).

Conditions:
Ataxia-telangiectasia syndrome (AT). Also called: Ataxia-telangiectasia, complementation group D; AT, COMPLEMENTATION GROUP C; ATAXIA-TELANGIECTASIA, COMPLEMENTATION GROUP A; ATAXIA-TELANGIECTASIA, FRESNO VARIANT; Ataxia-telangiectasia; LOUIS-BAR SYNDROME. Identifiers: Orphanet 100, MedGen C0004135, MONDO:0008840, OMIM 208900.

Allele frequency attached by ClinVar (database versions not stated): ExAC 0.00001; gnomAD exomes below 0.00001.
gnomAD v4.1: 1 of 1,610,886 alleles (0.000062%); highest among the groups gnomAD compares: Non-Finnish European, 0.000085%; no homozygotes.

Submission:

Labcorp Genetics (formerly Invitae), Labcorp
Classification: Uncertain significance for Ataxia-telangiectasia syndrome. Last evaluated: 2024-04-24. Review status: criteria provided, single submitter. Criteria: Invitae Variant Classification Sherloc (09022015). Collection method: clinical testing. Allele origin: germline.
Comment: This sequence change replaces glycine, which is neutral and non-polar, with serine, which is neutral and polar, at codon 2869 of the ATM protein (p.Gly2869Ser). This variant is present in population databases (rs748855312, gnomAD 0.0009%). This variant has not been reported in the literature in individuals affected with ATM-related conditions. ClinVar contains an entry for this variant (Variation ID: 664147). An algorithm developed to predict the effect of missense changes on protein structure and function (PolyPhen-2) suggests that this variant is likely to be disruptive. In summary, the available evidence is currently insufficient to determine the role of this variant in disease. Therefore, it has been classified as a Variant of Uncertain Significance.